The following is an entry in ClinVar:

NM_001035.3(RYR2):c.13914-7A>C

Gene: RYR2 (ryanodine receptor 2; plus strand). Cytogenetic location: 1q43.
Variant type: single nucleotide variant.
Coding change: c.13914-7A>C on transcript NM_001035.3 (MANE Select); 7 bases into the intron before coding-DNA position 13914, A replaced by C.
Molecular consequence: intron variant.
Genome position (GRCh38, 1-based): chr1:237,795,282, A>C. VCF-style: chr1-237795282-A-C. GRCh37 (hg19) VCF-style: chr1-237958582-A-C.
Identifiers: ClinVar variation 3385872 (VCV003385872.1).
Genomic context (GRCh38, chr1:237,795,282, plus strand): 5'-CAAATGATATGTTATTATTTGTCATTAAAAATAATACTATTTACTTCTATGCTTTTGTAT[A>C]TTTTAGGTCATTTCCCAACAACTACTGGGACAAATTTGTTAAAAGAAAGGTAATATTACT-3'

ClinVar aggregate classification (germline): Likely benign (1 of 4 stars; one submission).

Conditions:
Catecholaminergic polymorphic ventricular tachycardia (CVPT). Also called: Catecholamine-induced polymorphic ventricular tachycardia. Identifiers: Orphanet 3286, MedGen C5574922, MONDO:0017990.

Submission:

All of Us Research Program, National Institutes of Health
Classification: Likely benign for Catecholaminergic polymorphic ventricular tachycardia. Last evaluated: 2024-04-16. Review status: criteria provided, single submitter. Criteria: ACMG Guidelines, 2015. Collection method: clinical testing. Allele origin: germline. Inheritance: Autosomal dominant inheritance. Observed: 1 variant allele, 1 heterozygote.
Comment: This study involves interpretation of variants in research participants for the purpose of population health screening. Participant phenotype was not available at the time of variant classification. Additional details can be found in publication PMID: 35346344, PMCID: PMC8962531